The following is an entry in ClinVar:

ClinVar aggregate classification (germline): Conflicting classifications of pathogenicity. Review status: criteria provided, conflicting classifications (1 of 4 stars). 3 submissions from 3 submitters: Uncertain significance (1); Likely benign (2). Last evaluated 2024-08-08.

Allele frequency attached by ClinVar (database versions not stated): gnomAD 0.00002 and 0.00003; TOPMed 0.00003; gnomAD exomes 0.00004 and 0.00011; ExAC 0.00014.
gnomAD v4.1: 66 of 1,572,746 alleles (0.0042%); highest among the groups gnomAD compares: Middle Eastern, 0.056%; no homozygotes.

Submissions (3):

Blueprint Genetics
Classification: Likely benign. Last evaluated: 2024-08-08. Review status: criteria provided, single submitter. Criteria: ACMG Guidelines, 2015. Collection method: clinical testing. Allele origin: germline.

Quest Diagnostics Nichols Institute San Juan Capistrano
Classification: Uncertain significance. Last evaluated: 2023-11-08. Review status: criteria provided, single submitter. Criteria: Quest Diagnostics criteria. Collection method: clinical testing. Allele origin: unknown.
Comment: The VWF c.3144C>T (p.Asn1048=) synonymous variant has been reported in the published literature in individuals with Type 2N von Willebrand disease along with another vWF pathogenic variant (PMID: 34494337 (2018)). The frequency of this variant in the general population, 0.00033 (10/30272 chromosomes (Genome Aggregation Database)), is uninformative in the assessment of its pathogenicity. Analysis of this variant using software algorithms for the prediction of the effect of nucleotide changes on splicing yielded predictions that this variant does not affect VWF mRNA splicing. Based on the available information, we are unable to determine the clinical significance of this variant.

CeGaT Center for Human Genetics Tuebingen
Classification: Likely benign. Last evaluated: 2022-07-01. Review status: criteria provided, single submitter. Criteria: CeGaT Center For Human Genetics Tuebingen Variant Classification Criteria Version 2. Collection method: clinical testing. Allele origin: germline. Affected: yes. Observed: 2 variant alleles.
Comment: VWF: BP4, BP7

Literature cited by the submitters: PubMed 34494337 (cited by Quest Diagnostics Nichols Institute San Juan Capistrano).

NM_000552.5(VWF):c.3144C>T (p.Asn1048=)

Gene: VWF (von Willebrand factor; minus strand). Cytogenetic location: 12p13.31.
Variant type: single nucleotide variant.
Coding change: c.3144C>T on transcript NM_000552.5 (MANE Select); coding-DNA position 3144, C replaced by T.
Protein change: p.Asn1048=; no amino-acid change (asparagine 1048 retained).
Molecular consequence: synonymous variant.
Genome position (GRCh38, 1-based): chr12:6,025,658, G>A on the plus strand (C>T on the coding strand, the complement: VWF is on the minus strand). VCF-style: chr12-6025658-G-A. GRCh37 (hg19) VCF-style: chr12-6134824-G-A.
Other names: c.3144C>T (NM_000552.4).
Identifiers: ClinVar variation 806802 (VCV000806802.39), dbSNP rs201874365, ClinGen allele CA6402827.